The following is an entry in ClinVar:

NM_017802.4(DNAAF5):c.1679G>A (p.Arg560His)

Gene: DNAAF5 (dynein axonemal assembly factor 5; plus strand). Cytogenetic location: 7p22.3.
Variant type: single nucleotide variant.
Coding change: c.1679G>A on transcript NM_017802.4 (MANE Select); coding-DNA position 1679, G replaced by A.
Protein change: p.Arg560His; replaces arginine 560 with histidine.
Molecular consequence: missense variant. On other transcripts: non-coding transcript variant (1).
Genome position (GRCh38, 1-based): chr7:763,870, G>A. VCF-style: chr7-763870-G-A. GRCh37 (hg19) VCF-style: chr7-803507-G-A.
Other names: short protein forms R560H.
Identifiers: ClinVar variation 525341 (VCV000525341.7), dbSNP rs760358814, ClinGen allele CA4110814.

ClinVar aggregate classification (germline): Uncertain significance. Review status: criteria provided, multiple submitters, no conflicts (2 of 4 stars). 2 submissions from 2 submitters: Uncertain significance (2). Last evaluated 2021-08-28.

Conditions:
Primary ciliary dyskinesia 18. Also called: CILIARY DYSKINESIA, PRIMARY, 18, WITH OR WITHOUT SITUS INVERSUS. Identifiers: Orphanet 244, MedGen C3543825, MONDO:0013940, OMIM 614874.
Primary ciliary dyskinesia. Also called: Ciliary dyskinesia. Identifiers: Orphanet 244, MedGen C0008780, MONDO:0016575, HP:0012265.

Allele frequency attached by ClinVar (database versions not stated): TOPMed 0.00001.

Submissions (2):

Labcorp Genetics (formerly Invitae), Labcorp
Classification: Uncertain significance for Primary ciliary dyskinesia. Last evaluated: 2021-08-28. Review status: criteria provided, single submitter. Criteria: Invitae Variant Classification Sherloc (09022015). Collection method: clinical testing. Allele origin: germline.
Comment: This sequence change replaces arginine with histidine at codon 560 of the DNAAF5 protein (p.Arg560His). The arginine residue is moderately conserved and there is a small physicochemical difference between arginine and histidine. This variant is present in population databases (rs760358814, ExAC 0.01%). This variant has not been reported in the literature in individuals affected with DNAAF5-related conditions. Algorithms developed to predict the effect of missense changes on protein structure and function output the following: SIFT: "Deleterious"; PolyPhen-2: "Benign"; Align-GVGD: "Class C0". The histidine amino acid residue is found in multiple mammalian species, which suggests that this missense change does not adversely affect protein function. In summary, the available evidence is currently insufficient to determine the role of this variant in disease. Therefore, it has been classified as a Variant of Uncertain Significance.

Baylor Genetics
Classification: Uncertain significance for Primary ciliary dyskinesia 18. Last evaluated: 2018-06-01. Review status: criteria provided, single submitter. Criteria: ACMG Guidelines, 2015. Collection method: clinical testing. Allele origin: unknown. Affected: yes.
Comment: This variant was determined to be of uncertain significance according to ACMG Guidelines, 2015 [PMID:25741868].